The following is an entry in ClinVar:

NM_030957.4(ADAMTS10):c.1598A>G (p.Lys533Arg)

Gene: ADAMTS10 (ADAM metallopeptidase with thrombospondin type 1 motif 10; minus strand). Cytogenetic location: 19p13.2.
Variant type: single nucleotide variant.
Coding change: c.1598A>G on transcript NM_030957.4 (MANE Select); coding-DNA position 1598, A replaced by G.
Protein change: p.Lys533Arg; replaces lysine 533 with arginine.
Molecular consequence: missense variant.
Genome position (GRCh38, 1-based): chr19:8,592,093, T>C on the plus strand (A>G on the coding strand, the complement: ADAMTS10 is on the minus strand). VCF-style: chr19-8592093-T-C. GRCh37 (hg19) VCF-style: chr19-8656977-T-C.
Other names: c.70A>G, p.Asn24Asp (NM_001282352.2); c.1598A>G (NM_030957.2); short protein forms K533R, N24D.
Identifiers: ClinVar variation 1475310 (VCV001475310.7), dbSNP rs949655877, ClinGen allele CA305001339.

ClinVar aggregate classification (germline): Uncertain significance. Review status: criteria provided, multiple submitters, no conflicts (2 of 4 stars). 2 submissions from 2 submitters: Uncertain significance (2). Last evaluated 2025-05-06.

Conditions:
Inborn genetic diseases. Identifiers: MedGen C0950123, MeSH D030342.

Allele frequency attached by ClinVar (database versions not stated): gnomAD exomes 0.00001; TOPMed below 0.00001; gnomAD 0.00001.
gnomAD v4.1: 8 of 1,613,594 alleles (0.0005%); highest among the groups gnomAD compares: Admixed American, 0.005%; no homozygotes.

Submissions (2):

Ambry Genetics
Classification: Uncertain significance for Inborn genetic diseases. Last evaluated: 2025-05-06. Review status: criteria provided, single submitter. Criteria: Ambry Variant Classification Scheme 2023. Collection method: clinical testing. Allele origin: germline.

Labcorp Genetics (formerly Invitae), Labcorp
Classification: Uncertain significance. Last evaluated: 2022-03-24. Review status: criteria provided, single submitter. Criteria: Invitae Variant Classification Sherloc (09022015). Collection method: clinical testing. Allele origin: germline.
Comment: In summary, the available evidence is currently insufficient to determine the role of this variant in disease. Therefore, it has been classified as a Variant of Uncertain Significance. Algorithms developed to predict the effect of sequence changes on RNA splicing suggest that this variant may create or strengthen a splice site. Algorithms developed to predict the effect of missense changes on protein structure and function are either unavailable or do not agree on the potential impact of this missense change (SIFT: "Tolerated"; PolyPhen-2: "Possibly Damaging"; Align-GVGD: "Class C0"). This variant has not been reported in the literature in individuals affected with ADAMTS10-related conditions. This variant is not present in population databases (gnomAD no frequency). This sequence change replaces lysine, which is basic and polar, with arginine, which is basic and polar, at codon 533 of the ADAMTS10 protein (p.Lys533Arg).